The following is an entry in ClinVar:

NM_022124.6(CDH23):c.7939G>A (p.Ala2647Thr)

Genes: CDH23 (cadherin related 23; plus strand), LOC111982869 (Sharpr-MPRA regulatory region 2121; plus strand). Cytogenetic location: 10q22.1.
Variant type: single nucleotide variant.
Coding change: c.7939G>A on transcript NM_022124.6 (MANE Select); coding-DNA position 7939, G replaced by A.
Protein change: p.Ala2647Thr; replaces alanine 2647 with threonine.
Molecular consequence: missense variant.
Genome position (GRCh38, 1-based): chr10:71,805,872, G>A. VCF-style: chr10-71805872-G-A. GRCh37 (hg19) VCF-style: chr10-73565629-G-A.
Other names: c.1219G>A, p.Ala407Thr (NM_001171933.1, NM_001171934.1); short protein forms A2647T, A407T.
Identifiers: ClinVar variation 1396269 (VCV001396269.6), dbSNP rs2132983622, ClinGen allele CA377161999.

ClinVar aggregate classification (germline): Uncertain significance (1 of 4 stars; one submission).

Allele frequency attached by ClinVar (database versions not stated): gnomAD exomes 0.00001.
gnomAD v4.1: 6 of 1,613,852 alleles (0.00037%); highest among the groups gnomAD compares: Non-Finnish European, 0.00051%; no homozygotes.

Submission:

Labcorp Genetics (formerly Invitae), Labcorp
Classification: Uncertain significance. Last evaluated: 2022-06-04. Review status: criteria provided, single submitter. Criteria: Invitae Variant Classification Sherloc (09022015). Collection method: clinical testing. Allele origin: germline.
Comment: In summary, the available evidence is currently insufficient to determine the role of this variant in disease. Therefore, it has been classified as a Variant of Uncertain Significance. Algorithms developed to predict the effect of missense changes on protein structure and function are either unavailable or do not agree on the potential impact of this missense change (SIFT: "Deleterious"; PolyPhen-2: "Not Available"; Align-GVGD: "Class C0"). ClinVar contains an entry for this variant (Variation ID: 1396269). This variant has not been reported in the literature in individuals affected with CDH23-related conditions. This variant is not present in population databases (gnomAD no frequency). This sequence change replaces alanine, which is neutral and non-polar, with threonine, which is neutral and polar, at codon 2647 of the CDH23 protein (p.Ala2647Thr).